The following is an entry in ClinVar:

NM_201384.3(PLEC):c.5847A>G (p.Gly1949=)

Gene: PLEC (plectin; minus strand). Cytogenetic location: 8q24.3.
Variant type: single nucleotide variant.
Coding change: c.5847A>G on transcript NM_201384.3 (MANE Select); coding-DNA position 5847, A replaced by G.
Protein change: p.Gly1949=; no amino-acid change (glycine 1949 retained).
Molecular consequence: synonymous variant.
Genome position (GRCh38, 1-based): chr8:143,924,082, T>C on the plus strand (A>G on the coding strand, the complement: PLEC is on the minus strand). VCF-style: chr8-143924082-T-C. GRCh37 (hg19) VCF-style: chr8-144998250-T-C.
Other names: c.5928A>G, p.Gly1976= (NM_000445.5); c.5805A>G, p.Gly1935= (NM_201378.4); c.5781A>G, p.Gly1927= (NM_201379.3); c.6258A>G, p.Gly2086= (NM_201380.4); c.5751A>G, p.Gly1917= (NM_201381.3); c.5847A>G, p.Gly1949= (NM_201382.4); c.5859A>G, p.Gly1953= (NM_201383.3).
Identifiers: ClinVar variation 383989 (VCV000383989.8), dbSNP rs1057521809, ClinGen allele CA16605341.

ClinVar aggregate classification (germline): Likely benign. Review status: criteria provided, multiple submitters, no conflicts (2 of 4 stars). 2 submissions from 2 submitters: Likely benign (2). Last evaluated 2023-08-30.

Conditions:
Epidermolysis bullosa simplex with nail dystrophy (EBS5D). Identifiers: MedGen C4225309, MONDO:0014661, OMIM 616487.
Epidermolysis bullosa simplex 5B, with muscular dystrophy (EBS5B). Also called: EPIDERMOLYSIS BULLOSA SIMPLEX AND LIMB-GIRDLE MUSCULAR DYSTROPHY; Epidermolysis bullosa simplex with muscular dystrophy. Identifiers: Orphanet 257, MedGen C2931072, MONDO:0009181, OMIM 226670.
Epidermolysis bullosa simplex, Ogna type (EBS5A). Also called: Pidermolysis bullosa simplex 5A, Ogna type; EPIDERMOLYSIS BULLOSA SIMPLEX 5A, OGNA TYPE. Identifiers: Orphanet 79401, MedGen C0432317, MONDO:0007555, OMIM 131950.
Autosomal recessive limb-girdle muscular dystrophy type 2Q (LGMDR17). Also called: MUSCULAR DYSTROPHY, LIMB-GIRDLE, AUTOSOMAL RECESSIVE 17. Identifiers: Orphanet 254361, MedGen C3150989, MONDO:0013390, OMIM 613723.
Epidermolysis bullosa simplex 5C, with pyloric atresia (EBS5C). Also called: PLEC-Related Epidermolysis Bullosa with Pyloric Atresia; Epidermolysis bullosa simplex with pyloric atresia; PLEC1-Related Epidermolysis Bullosa with Pyloric Atresia. Identifiers: Orphanet 158684, MedGen C2677349, MONDO:0012807, OMIM 612138.

Allele frequency attached by ClinVar (database versions not stated): gnomAD exomes 0.00002 and 0.00005; gnomAD 0.00003 and 0.00004; TOPMed 0.00003.
gnomAD v4.1: 81 of 1,597,684 alleles (0.0051%); highest among the groups gnomAD compares: Non-Finnish European, 0.0065%; no homozygotes.

Submissions (2):

Labcorp Genetics (formerly Invitae), Labcorp
Classification: Likely benign for Autosomal recessive limb-girdle muscular dystrophy type 2Q; Epidermolysis bullosa simplex, Ogna type; Epidermolysis bullosa simplex with nail dystrophy; Epidermolysis bullosa simplex 5C, with pyloric atresia; Epidermolysis bullosa simplex 5B, with muscular dystrophy. Last evaluated: 2023-08-30. Review status: criteria provided, single submitter. Criteria: Invitae Variant Classification Sherloc (09022015). Collection method: clinical testing. Allele origin: germline.

GeneDx
Classification: Likely benign. Last evaluated: 2016-03-02. Review status: criteria provided, single submitter. Criteria: GeneDx Variant Classification (06012015). Collection method: clinical testing. Allele origin: germline. Affected: yes.
Comment: This variant is considered likely benign or benign based on one or more of the following criteria: it is a conservative change, it occurs at a poorly conserved position in the protein, it is predicted to be benign by multiple in silico algorithms, and/or has population frequency not consistent with disease.